The following is an entry in ClinVar:

ClinVar aggregate classification (germline): Likely benign. Review status: criteria provided, multiple submitters, no conflicts (2 of 4 stars). 3 submissions from 3 submitters: Likely benign (3). Last evaluated 2025-08-30.

Conditions:
Neurofibromatosis, type 2 (SWNV). Also called: BILATERAL ACOUSTIC NEUROFIBROMATOSIS; SCHWANNOMATOSIS, VESTIBULAR; NF2-Related Schwannomatosis. Identifiers: Orphanet 637, MedGen C0027832, MONDO:0007039, OMIM 101000. Disease mechanism: loss of function.
Hereditary cancer-predisposing syndrome. Also called: Hereditary neoplastic syndrome; Hereditary Cancer Syndrome; Tumor predisposition; Neoplastic Syndromes, Hereditary. Identifiers: Orphanet 140162, MedGen C0027672, MeSH D009386, MONDO:0015356.

Allele frequency attached by ClinVar (database versions not stated): gnomAD exomes below 0.00001; ExAC 0.00001.

Submissions (3):

Labcorp Genetics (formerly Invitae), Labcorp
Classification: Likely benign for Neurofibromatosis, type 2. Last evaluated: 2025-08-30. Review status: criteria provided, single submitter. Criteria: Invitae Variant Classification Sherloc (09022015). Collection method: clinical testing. Allele origin: germline.

Ambry Genetics
Classification: Likely benign for Hereditary cancer-predisposing syndrome. Last evaluated: 2024-12-15. Review status: criteria provided, single submitter. Criteria: Ambry Variant Classification Scheme 2023. Collection method: clinical testing. Allele origin: germline.

All of Us Research Program, National Institutes of Health
Classification: Likely benign for Neurofibromatosis, type 2. Last evaluated: 2023-11-20. Review status: criteria provided, single submitter. Criteria: ACMG Guidelines, 2015. Collection method: clinical testing. Allele origin: germline. Inheritance: Autosomal dominant inheritance. Observed: 1 variant allele, 1 heterozygote.
Comment: This study involves interpretation of variants in research participants for the purpose of population health screening. Participant phenotype was not available at the time of variant classification. Additional details can be found in publication PMID: 35346344, PMCID: PMC8962531

NM_000268.4(NF2):c.1743C>T (p.Thr581=)

Gene: NF2 (NF2, moesin-ezrin-radixin like (MERLIN) tumor suppressor; plus strand). Cytogenetic location: 22q12.2.
Variant type: single nucleotide variant.
Coding change: c.1743C>T on transcript NM_000268.4 (MANE Select); coding-DNA position 1743, C replaced by T.
Protein change: p.Thr581=; no amino-acid change (threonine 581 retained).
Molecular consequence: synonymous variant. On other transcripts: 3 prime UTR variant (5), non-coding transcript variant (1).
Genome position (GRCh38, 1-based): chr22:29,694,757, C>T. VCF-style: chr22-29694757-C-T. GRCh37 (hg19) VCF-style: chr22-30090746-C-T.
Other names: c.*15C>T (NM_016418.5, NM_181828.3, NM_181829.3 and 1 more transcripts); c.*30C>T (NM_181832.3); c.453C>T, p.Thr151= (NM_181833.3); c.1743C>T (NM_000268.3).
Identifiers: ClinVar variation 1156629 (VCV001156629.11), dbSNP rs768807694, ClinGen allele CA040419.